The following is an entry in ClinVar:

NM_017636.4(TRPM4):c.2494G>A (p.Gly832Ser)

Gene: TRPM4 (transient receptor potential cation channel subfamily M member 4; plus strand). Cytogenetic location: 19q13.33.
Variant type: single nucleotide variant.
Coding change: c.2494G>A on transcript NM_017636.4 (MANE Select); coding-DNA position 2494, G replaced by A.
Protein change: p.Gly832Ser; replaces glycine 832 with serine.
Molecular consequence: missense variant. On other transcripts: intron variant (1).
Genome position (GRCh38, 1-based): chr19:49,196,723, G>A. VCF-style: chr19-49196723-G-A. GRCh37 (hg19) VCF-style: chr19-49699980-G-A.
Other names: c.1432G>A, p.Gly478Ser (NM_001321285.2); c.2211-3577G>A (NM_001195227.2); c.2149G>A, p.Gly717Ser (NM_001321281.2); c.886G>A, p.Gly296Ser (NM_001321282.2); c.1972G>A, p.Gly658Ser (NM_001321283.2); short protein forms G296S, G478S, G658S, G717S, G832S.
Identifiers: ClinVar variation 3227014 (VCV003227014.3), dbSNP rs1223514581, ClinGen allele CA406809344.
Genomic context (GRCh38, chr19:49,196,723, plus strand): 5'-TCCCTGGAGCTGCTGCTCTATTTCTGGGCTTTCACGCTGCTGTGCGAGGAACTGCGCCAG[G>A]GCCTGAGCGGAGGCGGGGGCAGCCTCGCCAGCGGGGGCCCCGGGCCTGGCCATGCCTCAC-3'
Protein context (NP_060106.2, residues 822-842): FTLLCEELRQ[Gly832Ser]LSGGGGSLAS

ClinVar aggregate classification (germline): Uncertain significance. Review status: criteria provided, multiple submitters, no conflicts (2 of 4 stars). 2 submissions from 2 submitters: Uncertain significance (2). Last evaluated 2024-03-13.

Conditions:
Cardiovascular phenotype. Identifiers: MedGen CN230736.
Progressive familial heart block type IB (PFHB1B). Identifiers: Orphanet 871, MedGen C1970298, MONDO:0011474, OMIM 604559.

Allele frequency attached by ClinVar (database versions not stated): TOPMed below 0.00001; gnomAD exomes 0.00002.
gnomAD v4.1: 23 of 1,552,848 alleles (0.0015%); highest among the groups gnomAD compares: Non-Finnish European, 0.002%; no homozygotes.

Submissions (2):

Labcorp Genetics (formerly Invitae), Labcorp
Classification: Uncertain significance for Progressive familial heart block type IB. Last evaluated: 2024-03-13. Review status: criteria provided, single submitter. Criteria: Invitae Variant Classification Sherloc (09022015). Collection method: clinical testing. Allele origin: germline.
Comment: This sequence change replaces glycine, which is neutral and non-polar, with serine, which is neutral and polar, at codon 832 of the TRPM4 protein (p.Gly832Ser). This variant is not present in population databases (gnomAD no frequency). This variant has not been reported in the literature in individuals affected with TRPM4-related conditions. Algorithms developed to predict the effect of missense changes on protein structure and function output the following: SIFT: "Not Available"; PolyPhen-2: "Benign"; Align-GVGD: "Not Available". The serine amino acid residue is found in multiple mammalian species, which suggests that this missense change does not adversely affect protein function. In summary, the available evidence is currently insufficient to determine the role of this variant in disease. Therefore, it has been classified as a Variant of Uncertain Significance.

Ambry Genetics
Classification: Uncertain significance for Cardiovascular phenotype. Last evaluated: 2024-03-10. Review status: criteria provided, single submitter. Criteria: Ambry Variant Classification Scheme 2023. Collection method: clinical testing. Allele origin: germline.
Comment: The p.G832S variant (also known as c.2494G>A), located in coding exon 17 of the TRPM4 gene, results from a G to A substitution at nucleotide position 2494. The glycine at codon 832 is replaced by serine, an amino acid with similar properties. This amino acid position is conserved. In addition, this alteration is predicted to be tolerated by in silico analysis. Based on the available evidence, the clinical significance of this alteration remains unclear.